The following is an entry in ClinVar:

NM_021978.4(ST14):c.2304C>T (p.Ile768=)

Gene: ST14 (ST14 transmembrane serine protease matriptase; plus strand). Cytogenetic location: 11q24.3.
Variant type: single nucleotide variant.
Coding change: c.2304C>T on transcript NM_021978.4 (MANE Select); coding-DNA position 2304, C replaced by T.
Protein change: p.Ile768=; no amino-acid change (isoleucine 768 retained).
Molecular consequence: synonymous variant.
Genome position (GRCh38, 1-based): chr11:130,209,476, C>T. VCF-style: chr11-130209476-C-T. GRCh37 (hg19) VCF-style: chr11-130079371-C-T.
Identifiers: ClinVar variation 730906 (VCV000730906.31), dbSNP rs201796684, ClinGen allele CA6364362.
Genomic context (GRCh38, chr11:130,209,476, plus strand): 5'-TCAGCCCCGTCCTGCCCTCTCCCCAGGCACTGGCGCGCTGATCCTGCAAAAGGGTGAGAT[C>T]CGCGTCATCAACCAGACCACCTGCGAGAACCTCCTGCCGCAGCAGATCACGCCGCGCATG-3'
Protein context (NP_068813.1, residues 758-778): TGALILQKGE[Ile768=]RVINQTTCEN

ClinVar aggregate classification (germline): Benign/Likely benign. Review status: criteria provided, multiple submitters, no conflicts (2 of 4 stars). 3 submissions from 3 submitters: Benign (1); Likely benign (2). Last evaluated 2025-10-31.

Allele frequency attached by ClinVar (database versions not stated): ESP Exome Variant Server 0.00031; gnomAD exomes 0.00053; gnomAD 0.00056 and 0.00057; 1000 Genomes Project 0.00060; 1000 Genomes Project 30x 0.00062; TOPMed 0.00071; ExAC 0.00084.
gnomAD v4.1: 454 of 1,586,350 alleles (0.029%); highest among the groups gnomAD compares: Admixed American, 0.14%; no homozygotes.

Submissions (3):

Labcorp Genetics (formerly Invitae), Labcorp
Classification: Benign. Last evaluated: 2025-10-31. Review status: criteria provided, single submitter. Criteria: Invitae Variant Classification Sherloc (09022015). Collection method: clinical testing. Allele origin: germline.

Blueprint Genetics
Classification: Likely benign. Last evaluated: 2024-10-08. Review status: criteria provided, single submitter. Criteria: ACMG Guidelines, 2015. Collection method: clinical testing. Allele origin: germline.

CeGaT Center for Human Genetics Tuebingen
Classification: Likely benign. Last evaluated: 2024-02-01. Review status: criteria provided, single submitter. Criteria: CeGaT Center For Human Genetics Tuebingen Variant Classification Criteria Version 2. Collection method: clinical testing. Allele origin: germline. Affected: yes. Observed: 1 variant allele.
Comment: ST14: BP4